The following is an entry in ClinVar:

NM_003640.5(ELP1):c.628A>G (p.Ser210Gly)

Gene: ELP1 (elongator acetyltransferase complex subunit 1; minus strand). Cytogenetic location: 9q31.3.
Variant type: single nucleotide variant.
Coding change: c.628A>G on transcript NM_003640.5 (MANE Select); coding-DNA position 628, A replaced by G.
Protein change: p.Ser210Gly; replaces serine 210 with glycine.
Molecular consequence: missense variant. On other transcripts: intron variant (1).
Genome position (GRCh38, 1-based): chr9:108,919,274, T>C on the plus strand (A>G on the coding strand, the complement: ELP1 is on the minus strand). VCF-style: chr9-108919274-T-C. GRCh37 (hg19) VCF-style: chr9-111681554-T-C.
Other names: c.286A>G, p.Ser96Gly (NM_001318360.2); c.-307-1604A>G (NM_001330749.2); c.628A>G (LRG_251t1); short protein forms S210G, S96G.
Identifiers: ClinVar variation 650026 (VCV000650026.4), dbSNP rs541666513, ClinGen allele CA5175291.

ClinVar aggregate classification (germline): Uncertain significance. Review status: criteria provided, single submitter (1 of 4 stars). 2 submissions from 2 submitters: Uncertain significance (1). 1 of the submissions does not count toward it. Last evaluated 2021-08-28.

Conditions:
Familial dysautonomia. Also called: HSAN III; FD. Identifiers: Orphanet 1764, MedGen C0013364, MONDO:0009131, OMIM 223900. Disease mechanism: loss of function.

Allele frequency attached by ClinVar (database versions not stated): gnomAD below 0.00001 and 0.00001; gnomAD exomes 0.00001 and 0.00002; ExAC 0.00002; 1000 Genomes Project 30x 0.00016; 1000 Genomes Project 0.00020.
gnomAD v4.1: 18 of 1,613,482 alleles (0.0011%); highest among the groups gnomAD compares: South Asian, 0.019%; no homozygotes.

Submissions (2):

Labcorp Genetics (formerly Invitae), Labcorp
Classification: Uncertain significance. Last evaluated: 2021-08-28. Review status: criteria provided, single submitter. Criteria: Invitae Variant Classification Sherloc (09022015). Collection method: clinical testing. Allele origin: germline.
Comment: This sequence change replaces serine with glycine at codon 210 of the ELP1 protein (p.Ser210Gly). The serine residue is highly conserved and there is a small physicochemical difference between serine and glycine. The frequency data for this variant in the population databases is considered unreliable, as metrics indicate poor data quality at this position in the ExAC database. This variant has not been reported in the literature in individuals affected with ELP1-related conditions. Algorithms developed to predict the effect of missense changes on protein structure and function (SIFT, PolyPhen-2, Align-GVGD) all suggest that this variant is likely to be tolerated. In summary, the available evidence is currently insufficient to determine the role of this variant in disease. Therefore, it has been classified as a Variant of Uncertain Significance.

Natera, Inc.
Classification: Uncertain significance for Familial dysautonomia. Last evaluated: 2020-09-16. Review status: no assertion criteria provided. Collection method: clinical testing. Allele origin: germline. Not counted in ClinVar's aggregate classification.